The following is an entry in ClinVar:

ClinVar aggregate classification (germline): Benign. Review status: criteria provided, multiple submitters, no conflicts (2 of 4 stars). 5 submissions from 5 submitters: Benign (4). 1 of the submissions does not count toward it. Last evaluated 2026-02-03.

Conditions:
NPRL3-related disorder. Also called: NPRL3-related condition.
Epilepsy, familial focal, with variable foci 3 (FFEVF3). Identifiers: MedGen C4310708, MONDO:0014925, OMIM 617118.

Allele frequency attached by ClinVar (database versions not stated): ESP Exome Variant Server 0.00866; gnomAD 0.01456 and 0.01623; TOPMed 0.01496; gnomAD exomes 0.01728 and 0.02378; ExAC 0.02454; 1000 Genomes Project 0.02915; 1000 Genomes Project 30x 0.03045.
gnomAD v4.1: 26,678 of 1,552,006 alleles (1.7%); highest among the groups gnomAD compares: East Asian, 7.2%; 414 homozygotes.

Submissions 1 to 31 of 48:

Labcorp Genetics (formerly Invitae), Labcorp
Classification: Benign for Epilepsy, familial focal, with variable foci 3. Last evaluated: 2026-02-03. Review status: criteria provided, single submitter. Criteria: Invitae Variant Classification Sherloc (09022015). Collection method: clinical testing. Allele origin: germline.

Mayo Clinic Laboratories, Mayo Clinic
Classification: Benign. Last evaluated: 2018-12-06. Review status: criteria provided, single submitter. Criteria: ACMG Guidelines, 2015. Collection method: clinical testing. Allele origin: germline. Observed: 29 variant alleles.

GeneDx
Classification: Benign. Last evaluated: 2018-07-26. Review status: criteria provided, single submitter. Criteria: GeneDx Variant Classification Process June 2021. Collection method: clinical testing. Allele origin: germline. Affected: yes.

Breakthrough Genomics
Classification: Benign. Review status: criteria provided, single submitter. Criteria: ACMG Guidelines, 2015. Collection method: not provided. Allele origin: germline. Inheritance: Autosomal dominant inheritance. Affected: yes.

PreventionGenetics, part of Exact Sciences
Classification: Benign for NPRL3-related condition. Last evaluated: 2019-04-17. Review status: no assertion criteria provided. Collection method: clinical testing. Allele origin: germline. Not counted in ClinVar's aggregate classification.
Comment: This variant is classified as benign based on ACMG/AMP sequence variant interpretation guidelines (Richards et al. 2015 PMID: 25741868, with internal and published modifications).

Dr. Peter K. Rogan Lab, Western University
No classification provided (evidence only). Condition: Clear cell carcinoma of kidney. Review status: no classification provided. Collection method: in vitro. Allele origin: not applicable. Functional consequence: skipped exon. Not counted in ClinVar's aggregate classification.

Dr. Peter K. Rogan Lab, Western University
No classification provided (evidence only). Condition: Clear cell carcinoma of kidney. Review status: no classification provided. Collection method: in vitro. Allele origin: not applicable. Functional consequence: retained intron. Not counted in ClinVar's aggregate classification.

Dr. Peter K. Rogan Lab, Western University
No classification provided (evidence only). Condition: Lung cancer. Review status: no classification provided. Collection method: in vitro. Allele origin: not applicable. Functional consequence: skipped exon, retained intron. Not counted in ClinVar's aggregate classification.

Dr. Peter K. Rogan Lab, Western University
No classification provided (evidence only). Condition: Lung cancer. Review status: no classification provided. Collection method: in vitro. Allele origin: not applicable. Functional consequence: retained intron. Not counted in ClinVar's aggregate classification.

Dr. Peter K. Rogan Lab, Western University
No classification provided (evidence only). Condition: Lung cancer. Review status: no classification provided. Collection method: in vitro. Allele origin: not applicable. Functional consequence: retained intron. Not counted in ClinVar's aggregate classification.

Dr. Peter K. Rogan Lab, Western University
No classification provided (evidence only). Condition: Acute myeloid leukemia. Review status: no classification provided. Collection method: in vitro. Allele origin: not applicable. Functional consequence: retained intron. Not counted in ClinVar's aggregate classification.

Dr. Peter K. Rogan Lab, Western University
No classification provided (evidence only). Condition: Acute myeloid leukemia. Review status: no classification provided. Collection method: in vitro. Allele origin: not applicable. Functional consequence: retained intron. Not counted in ClinVar's aggregate classification.

Dr. Peter K. Rogan Lab, Western University
No classification provided (evidence only). Condition: Thyroid cancer, nonmedullary, 1. Review status: no classification provided. Collection method: in vitro. Allele origin: not applicable. Functional consequence: retained intron. Not counted in ClinVar's aggregate classification.

Dr. Peter K. Rogan Lab, Western University
No classification provided (evidence only). Condition: Uterine corpus endometrial carcinoma. Review status: no classification provided. Collection method: in vitro. Allele origin: not applicable. Functional consequence: retained intron. Not counted in ClinVar's aggregate classification.

Dr. Peter K. Rogan Lab, Western University
No classification provided (evidence only). Condition: Uterine corpus endometrial carcinoma. Review status: no classification provided. Collection method: in vitro. Allele origin: not applicable. Functional consequence: retained intron. Not counted in ClinVar's aggregate classification.

Dr. Peter K. Rogan Lab, Western University
No classification provided (evidence only). Condition: Uterine corpus endometrial carcinoma. Review status: no classification provided. Collection method: in vitro. Allele origin: not applicable. Functional consequence: retained intron. Not counted in ClinVar's aggregate classification.

Dr. Peter K. Rogan Lab, Western University
No classification provided (evidence only). Condition: Cervical cancer. Review status: no classification provided. Collection method: in vitro. Allele origin: not applicable. Functional consequence: retained intron. Not counted in ClinVar's aggregate classification.

Dr. Peter K. Rogan Lab, Western University
No classification provided (evidence only). Condition: Cervical cancer. Review status: no classification provided. Collection method: in vitro. Allele origin: not applicable. Functional consequence: retained intron. Not counted in ClinVar's aggregate classification.

Dr. Peter K. Rogan Lab, Western University
No classification provided (evidence only). Condition: Cervical cancer. Review status: no classification provided. Collection method: in vitro. Allele origin: not applicable. Functional consequence: retained intron. Not counted in ClinVar's aggregate classification.

Dr. Peter K. Rogan Lab, Western University
No classification provided (evidence only). Condition: Sarcoma. Review status: no classification provided. Collection method: in vitro. Allele origin: not applicable. Functional consequence: retained intron. Not counted in ClinVar's aggregate classification.

Dr. Peter K. Rogan Lab, Western University
No classification provided (evidence only). Condition: Sarcoma. Review status: no classification provided. Collection method: in vitro. Allele origin: not applicable. Functional consequence: retained intron. Not counted in ClinVar's aggregate classification.

Dr. Peter K. Rogan Lab, Western University
No classification provided (evidence only). Condition: Sarcoma. Review status: no classification provided. Collection method: in vitro. Allele origin: not applicable. Functional consequence: retained intron. Not counted in ClinVar's aggregate classification.

Dr. Peter K. Rogan Lab, Western University
No classification provided (evidence only). Condition: Nonpapillary renal cell carcinoma. Review status: no classification provided. Collection method: in vitro. Allele origin: not applicable. Functional consequence: retained intron. Not counted in ClinVar's aggregate classification.

Dr. Peter K. Rogan Lab, Western University
No classification provided (evidence only). Condition: Nonpapillary renal cell carcinoma. Review status: no classification provided. Collection method: in vitro. Allele origin: not applicable. Functional consequence: skipped exon, retained intron. Not counted in ClinVar's aggregate classification.

Dr. Peter K. Rogan Lab, Western University
No classification provided (evidence only). Condition: Nonpapillary renal cell carcinoma. Review status: no classification provided. Collection method: in vitro. Allele origin: not applicable. Functional consequence: skipped exon, retained intron. Not counted in ClinVar's aggregate classification.

Dr. Peter K. Rogan Lab, Western University
No classification provided (evidence only). Condition: Thymoma. Review status: no classification provided. Collection method: in vitro. Allele origin: not applicable. Functional consequence: retained intron. Not counted in ClinVar's aggregate classification.

Dr. Peter K. Rogan Lab, Western University
No classification provided (evidence only). Condition: Thymoma. Review status: no classification provided. Collection method: in vitro. Allele origin: not applicable. Functional consequence: retained intron. Not counted in ClinVar's aggregate classification.

Dr. Peter K. Rogan Lab, Western University
No classification provided (evidence only). Condition: Thymoma. Review status: no classification provided. Collection method: in vitro. Allele origin: not applicable. Functional consequence: retained intron. Not counted in ClinVar's aggregate classification.

Dr. Peter K. Rogan Lab, Western University
No classification provided (evidence only). Condition: Thymoma. Review status: no classification provided. Collection method: in vitro. Allele origin: not applicable. Functional consequence: skipped exon, retained intron. Not counted in ClinVar's aggregate classification.

Dr. Peter K. Rogan Lab, Western University
No classification provided (evidence only). Condition: Ovarian serous cystadenocarcinoma. Review status: no classification provided. Collection method: in vitro. Allele origin: not applicable. Functional consequence: retained intron. Not counted in ClinVar's aggregate classification.

Dr. Peter K. Rogan Lab, Western University
No classification provided (evidence only). Condition: Ovarian serous cystadenocarcinoma. Review status: no classification provided. Collection method: in vitro. Allele origin: not applicable. Functional consequence: retained intron. Not counted in ClinVar's aggregate classification.

NM_001077350.3(NPRL3):c.180C>T (p.Gly60=)

Genes: HBA-LCR (alpha-globin locus control region; plus strand), NPRL3 (NPR3 like, GATOR1 complex subunit; minus strand). Cytogenetic location: 16p13.3.
Variant type: single nucleotide variant.
Coding change: c.180C>T on transcript NM_001077350.3 (MANE Select); coding-DNA position 180, C replaced by T.
Protein change: p.Gly60=; no amino-acid change (glycine 60 retained).
Molecular consequence: synonymous variant. On other transcripts: 5 prime UTR variant (2).
Genome position (GRCh38, 1-based): chr16:130,530, G>A on the plus strand (C>T on the coding strand, the complement: NPRL3 is on the minus strand). VCF-style: chr16-130530-G-A. GRCh37 (hg19) VCF-style: chr16-180529-G-A.
Other names: p.Gly60=; c.-153C>T (NM_001039476.3); c.-192C>T (NM_001243247.2); c.180C>T, p.Gly60= (NM_001243248.2, NM_001243249.2).
Identifiers: ClinVar variation 476222 (VCV000476222.19), dbSNP rs75187722, ClinGen allele CA7769761.